The following is an entry in ClinVar:

NM_004667.6(HERC2):c.3953C>T (p.Ser1318Leu)

Gene: HERC2 (HECT and RLD domain containing E3 ubiquitin protein ligase 2; minus strand). Cytogenetic location: 15q13.1.
Variant type: single nucleotide variant.
Coding change: c.3953C>T on transcript NM_004667.6 (MANE Select); coding-DNA position 3953, C replaced by T.
Protein change: p.Ser1318Leu; replaces serine 1318 with leucine.
Molecular consequence: missense variant.
Genome position (GRCh38, 1-based): chr15:28,237,013, G>A on the plus strand (C>T on the coding strand, the complement: HERC2 is on the minus strand). VCF-style: chr15-28237013-G-A. GRCh37 (hg19) VCF-style: chr15-28482159-G-A.
Other names: c.3953C>T (NM_004667.5); short protein forms S1318L.
Identifiers: ClinVar variation 3105385 (VCV003105385.3), dbSNP rs147535565, ClinGen allele CA7442777.

ClinVar aggregate classification (germline): Uncertain significance. Review status: criteria provided, multiple submitters, no conflicts (2 of 4 stars). 2 submissions from 2 submitters: Uncertain significance (2). Last evaluated 2025-03-31.

Conditions:
Inborn genetic diseases. Identifiers: MedGen C0950123, MeSH D030342.

Allele frequency attached by ClinVar (database versions not stated): ExAC 0.00003; gnomAD exomes 0.00005; gnomAD 0.00008; TOPMed 0.00008; ESP Exome Variant Server 0.00015.
gnomAD v4.1: 84 of 1,611,844 alleles (0.0052%); highest among the groups gnomAD compares: African/African-American, 0.019%; no homozygotes.

Submissions (2):

GeneDx
Classification: Uncertain significance. Last evaluated: 2025-03-31. Review status: criteria provided, single submitter. Criteria: GeneDx Variant Classification Process June 2021. Collection method: clinical testing. Allele origin: germline.
Comment: In silico analysis supports that this missense variant has a deleterious effect on protein structure/function; Has not been previously published as pathogenic or benign to our knowledge

Ambry Genetics
Classification: Uncertain significance for Inborn genetic diseases. Last evaluated: 2023-12-22. Review status: criteria provided, single submitter. Criteria: Ambry Variant Classification Scheme 2023. Collection method: clinical testing. Allele origin: germline.